The following is an entry in ClinVar:

ClinVar aggregate classification (germline): Pathogenic (1 of 4 stars; one submission).

Conditions:
DICER1-related tumor predisposition. Also called: DICER1-related pleuropulmonary blastoma cancer predisposition syndrome; DICER1 syndrome. Identifiers: Orphanet 284343, MedGen C3839822, MONDO:0100216.

Submission:

Labcorp Genetics (formerly Invitae), Labcorp
Classification: Pathogenic for DICER1-related tumor predisposition. Last evaluated: 2021-04-08. Review status: criteria provided, single submitter. Criteria: Invitae Variant Classification Sherloc (09022015). Collection method: clinical testing. Allele origin: germline.
Comment: This variant has not been reported in the literature in individuals with DICER1-related conditions. This variant is not present in population databases (ExAC no frequency). This sequence change creates a premature translational stop signal (p.Trp133*) in the DICER1 gene. It is expected to result in an absent or disrupted protein product. Loss-of-function variants in DICER1 are known to be pathogenic (PMID: 19556464, 21266384). For these reasons, this variant has been classified as Pathogenic.

Literature cited by the submitters: PubMed 19556464; PubMed 21266384.

NM_177438.3(DICER1):c.398G>A (p.Trp133Ter)

Gene: DICER1 (dicer 1, ribonuclease III; minus strand). Cytogenetic location: 14q32.13.
Variant type: single nucleotide variant.
Coding change: c.398G>A on transcript NM_177438.3 (MANE Select); coding-DNA position 398, G replaced by A.
Protein change: p.Trp133Ter; replaces tryptophan 133 with a stop codon.
Molecular consequence: nonsense.
Genome position (GRCh38, 1-based): chr14:95,131,549, C>T on the plus strand (G>A on the coding strand, the complement: DICER1 is on the minus strand). VCF-style: chr14-95131549-C-T. GRCh37 (hg19) VCF-style: chr14-95597886-C-T.
Other names: c.398G>A, p.Trp133Ter (NM_001195573.1, NM_001271282.3, NM_001291628.2 and 1 more transcripts); short protein forms W133*.
Identifiers: ClinVar variation 1411167 (VCV001411167.7), dbSNP rs2140278878, ClinGen allele CA390888968.